The following is an entry in ClinVar:

NM_004415.4(DSP):c.3733del (p.Glu1245fs)

Gene: DSP (desmoplakin; plus strand). Cytogenetic location: 6p24.3.
Variant type: Deletion.
Coding change: c.3733del on transcript NM_004415.4 (MANE Select); coding-DNA position 3733, one base deleted (G; older notation c.3733delG).
Protein change: p.Glu1245fs; shifts the reading frame from glutamic acid 1245.
Molecular consequence: frameshift variant. On other transcripts: intron variant (1).
Genome position (GRCh38, 1-based): chr6:7,579,923, G deleted; the last of 3 consecutive G bases (chr6:7,579,921-7,579,923); deleting any one gives the same sequence. VCF-style (leftmost placement, unchanged base first): chr6-7579920-AG-A. GRCh37 (hg19) VCF-style: chr6-7580153-AG-A.
Other names: c.3733del, p.Glu1245fs (NM_001319034.2); c.3582+151del (NM_001008844.3); c.3733delG (NM_004415.2); c.3733del (LRG_423t1); short protein forms E1245fs.
Identifiers: ClinVar variation 199921 (VCV000199921.7), dbSNP rs794728142, ClinGen allele CA005899.
Genomic context (GRCh38, chr6:7,579,920, plus strand): 5'-ATATCCATGCAAAAAGAGGATGATTCCAAAAATCTTAGAAACCAGCTTGATAGACTTTCA[AG>A]GGAAAATCGAGATCTGAAGGATGAAATTGTCAGGCTCAATGACAGCATCTTGCAGGCCAC-3'

ClinVar aggregate classification (germline): Pathogenic/Likely pathogenic. Review status: criteria provided, multiple submitters, no conflicts (2 of 4 stars). 2 submissions from 2 submitters: Pathogenic (1); Likely pathogenic (1). Last evaluated 2023-08-07.

Conditions:
Arrhythmogenic cardiomyopathy with wooly hair and keratoderma. Also called: Carvajal syndrome; Dilated cardiomyopathy with woolly hair and keratoderma; Arrhythmogenic cardiomyopathy with woolly hair and keratoderma; PALMOPLANTAR KERATODERMA WITH LEFT VENTRICULAR CARDIOMYOPATHY AND WOOLLY HAIR. Identifiers: Orphanet 65282, MedGen C1854063, MONDO:0011581, OMIM 605676.
Arrhythmogenic right ventricular dysplasia 8 (ARVD8). Also called: Arrhythmogenic Right Ventricular Dysplasia/Cardiomyopathy 8; ARRHYTHMOGENIC RIGHT VENTRICULAR CARDIOMYOPATHY 8; ARRHYTHMOGENIC RIGHT VENTRICULAR DYSPLASIA, FAMILIAL, 8. Identifiers: MedGen C1843896, MONDO:0011831, OMIM 607450.

Submissions (2):

Labcorp Genetics (formerly Invitae), Labcorp
Classification: Pathogenic for Arrhythmogenic cardiomyopathy with wooly hair and keratoderma; Arrhythmogenic right ventricular dysplasia 8. Last evaluated: 2023-08-07. Review status: criteria provided, single submitter. Criteria: Invitae Variant Classification Sherloc (09022015). Collection method: clinical testing. Allele origin: germline.
Comment: This sequence change creates a premature translational stop signal (p.Glu1245Lysfs*5) in the DSP gene. It is expected to result in an absent or disrupted protein product. Loss-of-function variants in DSP are known to be pathogenic (PMID: 20716751, 24503780, 25227139). This variant is not present in population databases (gnomAD no frequency). This variant has not been reported in the literature in individuals affected with DSP-related conditions. ClinVar contains an entry for this variant (Variation ID: 199921). For these reasons, this variant has been classified as Pathogenic.

GeneDx
Classification: Likely pathogenic. Last evaluated: 2022-06-06. Review status: criteria provided, single submitter. Criteria: GeneDx Variant Classification Process June 2021. Collection method: clinical testing. Allele origin: germline. Affected: yes.
Comment: Frameshift variant predicted to result in protein truncation or nonsense mediated decay in a gene for which loss-of-function is a known mechanism of disease; Not observed at significant frequency in large population cohorts (gnomAD); Has not been previously published as pathogenic or benign to our knowledge

Literature cited by the submitters: PubMed 20716751 (cited by Labcorp Genetics (formerly Invitae), Labcorp); PubMed 24503780 (cited by Labcorp Genetics (formerly Invitae), Labcorp); PubMed 25227139 (cited by Labcorp Genetics (formerly Invitae), Labcorp).